The following is an entry in ClinVar:

NM_015102.5(NPHP4):c.1360C>T (p.His454Tyr)

Gene: NPHP4 (nephrocystin 4; minus strand). Cytogenetic location: 1p36.31.
Variant type: single nucleotide variant.
Coding change: c.1360C>T on transcript NM_015102.5 (MANE Select); coding-DNA position 1360, C replaced by T.
Protein change: p.His454Tyr; replaces histidine 454 with tyrosine.
Molecular consequence: missense variant. On other transcripts: 5 prime UTR variant (2), non-coding transcript variant (1).
Genome position (GRCh38, 1-based): chr1:5,927,730, G>A on the plus strand (C>T on the coding strand, the complement: NPHP4 is on the minus strand). VCF-style: chr1-5927730-G-A. GRCh37 (hg19) VCF-style: chr1-5987790-G-A.
Other names: c.-7C>T (NM_001291593.2, NM_001291594.2); c.1360C>T (NM_015102.4); short protein forms H454Y.
Identifiers: ClinVar variation 1505080 (VCV001505080.11), dbSNP rs374792772, ClinGen allele CA554543.

ClinVar aggregate classification (germline): Uncertain significance. Review status: criteria provided, multiple submitters, no conflicts (2 of 4 stars). 4 submissions from 4 submitters: Uncertain significance (4). Last evaluated 2025-10-13.

Conditions:
Nephronophthisis. Also called: Juvenile Nephronophthisis. Identifiers: Orphanet 655, MedGen C0687120, MONDO:0019005, HP:0000090.
NPHP4-related disorder. Also called: NPHP4-related disorders; NPHP4-related condition. Identifiers: MedGen CN239384.
Nephronophthisis 4 (NPHP4). Also called: NEPHRONOPHTHISIS 4, JUVENILE. Identifiers: Orphanet 655, MedGen C1847013, MONDO:0011752, OMIM 606966.
Senior-Loken syndrome 4 (SLSN4). Identifiers: Orphanet 3156, MedGen C1846979, MONDO:0011756, OMIM 606996.

Allele frequency attached by ClinVar (database versions not stated): gnomAD 0.00001; gnomAD exomes 0.00001 and 0.00002; TOPMed 0.00001; ExAC 0.00002; ESP Exome Variant Server 0.00008.
gnomAD v4.1: 17 of 1,613,440 alleles (0.0011%); highest among the groups gnomAD compares: Non-Finnish European, 0.0014%; no homozygotes.

Submissions (4):

PreventionGenetics, part of Exact Sciences
Classification: Uncertain significance for NPHP4-related condition. Last evaluated: 2025-10-13. Review status: criteria provided, single submitter. Criteria: ACMG Guidelines, 2015. Collection method: clinical testing. Allele origin: germline.
Comment: The NPHP4 c.1360C>T variant is predicted to result in the amino acid substitution p.His454Tyr. To our knowledge, this variant has not been reported in the literature. This variant is reported in 0.0039% of alleles in individuals of European (Non-Finnish) descent in gnomAD. At this time, the clinical significance of this variant is uncertain due to the absence of conclusive functional and genetic evidence.

Blueprint Genetics
Classification: Uncertain significance. Last evaluated: 2024-07-25. Review status: criteria provided, single submitter. Criteria: ACMG Guidelines, 2015. Collection method: clinical testing. Allele origin: germline.

Labcorp Genetics (formerly Invitae), Labcorp
Classification: Uncertain significance for Nephronophthisis. Last evaluated: 2022-10-05. Review status: criteria provided, single submitter. Criteria: Invitae Variant Classification Sherloc (09022015). Collection method: clinical testing. Allele origin: germline.
Comment: In summary, the available evidence is currently insufficient to determine the role of this variant in disease. Therefore, it has been classified as a Variant of Uncertain Significance. Advanced modeling of protein sequence and biophysical properties (such as structural, functional, and spatial information, amino acid conservation, physicochemical variation, residue mobility, and thermodynamic stability) performed at Invitae indicates that this missense variant is expected to disrupt NPHP4 protein function. ClinVar contains an entry for this variant (Variation ID: 1505080). This variant has not been reported in the literature in individuals affected with NPHP4-related conditions. This variant is present in population databases (rs374792772, gnomAD 0.004%). This sequence change replaces histidine, which is basic and polar, with tyrosine, which is neutral and polar, at codon 454 of the NPHP4 protein (p.His454Tyr).

Fulgent Genetics
Classification: Uncertain significance for Nephronophthisis 4; Senior-Loken syndrome 4. Last evaluated: 2022-03-19. Review status: criteria provided, single submitter. Criteria: ACMG Guidelines, 2015. Collection method: clinical testing. Allele origin: unknown.